The following is an entry in ClinVar:

ClinVar aggregate classification (germline): Uncertain significance (1 of 4 stars; one submission).

Conditions:
Arrhythmogenic right ventricular dysplasia 11. Also called: Arrhythmogenic right ventricular dysplasia 11 with mild palmoplantar keratoderma and woolly hair; Arrhythmogenic Right Ventricular Dysplasia/Cardiomyopathy11; ARRHYTHMOGENIC RIGHT VENTRICULAR DYSPLASIA, FAMILIAL, 11. Identifiers: MedGen C1864850, MONDO:0012506, OMIM 610476.

Submission:

Labcorp Genetics (formerly Invitae), Labcorp
Classification: Uncertain significance for Arrhythmogenic right ventricular dysplasia 11. Last evaluated: 2022-05-01. Review status: criteria provided, single submitter. Criteria: Invitae Variant Classification Sherloc (09022015). Collection method: clinical testing. Allele origin: germline.
Comment: Algorithms developed to predict the effect of missense changes on protein structure and function (SIFT, PolyPhen-2, Align-GVGD) all suggest that this variant is likely to be tolerated. This variant has not been reported in the literature in individuals affected with DSC2-related conditions. This variant is not present in population databases (gnomAD no frequency). This sequence change replaces phenylalanine, which is neutral and non-polar, with leucine, which is neutral and non-polar, at codon 708 of the DSC2 protein (p.Phe708Leu). In summary, the available evidence is currently insufficient to determine the role of this variant in disease. Therefore, it has been classified as a Variant of Uncertain Significance.

NM_024422.6(DSC2):c.2124T>G (p.Phe708Leu)

Gene: DSC2 (desmocollin 2; minus strand). Cytogenetic location: 18q12.1.
Variant type: single nucleotide variant.
Coding change: c.2124T>G on transcript NM_024422.6 (MANE Select); coding-DNA position 2124, T replaced by G.
Protein change: p.Phe708Leu; replaces phenylalanine 708 with leucine.
Molecular consequence: missense variant.
Genome position (GRCh38, 1-based): chr18:31,071,606, A>C on the plus strand (T>G on the coding strand, the complement: DSC2 is on the minus strand). VCF-style: chr18-31071606-A-C. GRCh37 (hg19) VCF-style: chr18-28651572-A-C.
Other names: c.1695T>G, p.Phe565Leu (NM_001406506.1, NM_001406507.1); c.2124T>G, p.Phe708Leu (NM_004949.5); short protein forms F565L, F708L.
Identifiers: ClinVar variation 2132536 (VCV002132536.4), dbSNP rs1376132075, ClinGen allele CA402112687.